The following is an entry in ClinVar:

ClinVar aggregate classification (germline): Uncertain significance (1 of 4 stars; one submission).

gnomAD v4.1: 4 of 1,614,052 alleles (0.00025%); highest among the groups gnomAD compares: African/African-American, 0.0053%; no homozygotes.

Submission:

Labcorp Genetics (formerly Invitae), Labcorp
Classification: Uncertain significance. Last evaluated: 2025-11-23. Review status: criteria provided, single submitter. Criteria: Invitae Variant Classification Sherloc (09022015). Collection method: clinical testing. Allele origin: germline.
Comment: This sequence change replaces histidine, which is basic and polar, with glutamine, which is neutral and polar, at codon 1739 of the MTOR protein (p.His1739Gln). This variant is present in population databases (no rsID available, gnomAD 0.007%). This variant has not been reported in the literature in individuals affected with MTOR-related conditions. Invitae Evidence Modeling of protein sequence and biophysical properties (such as structural, functional, and spatial information, amino acid conservation, physicochemical variation, residue mobility, and thermodynamic stability) indicates that this missense variant is not expected to disrupt MTOR protein function with a negative predictive value of 95%. In summary, the available evidence is currently insufficient to determine the role of this variant in disease. Therefore, it has been classified as a Variant of Uncertain Significance.

NM_004958.4(MTOR):c.5217T>A (p.His1739Gln)

Gene: MTOR (mechanistic target of rapamycin kinase; minus strand). Cytogenetic location: 1p36.22.
Variant type: single nucleotide variant.
Coding change: c.5217T>A on transcript NM_004958.4 (MANE Select); coding-DNA position 5217, T replaced by A.
Protein change: p.His1739Gln; replaces histidine 1739 with glutamine.
Molecular consequence: missense variant.
Genome position (GRCh38, 1-based): chr1:11,134,380, A>T on the plus strand (T>A on the coding strand, the complement: MTOR is on the minus strand). VCF-style: chr1-11134380-A-T. GRCh37 (hg19) VCF-style: chr1-11194437-A-T.
Other names: c.5217T>A, p.His1739Gln (NM_001386500.1); c.3969T>A, p.His1323Gln (NM_001386501.1); short protein forms H1323Q, H1739Q.
Identifiers: ClinVar variation 4754834 (VCV004754834.1).